The following is an entry in ClinVar:

ClinVar aggregate classification (germline): Uncertain significance (1 of 4 stars; one submission).

Conditions:
Hereditary cancer-predisposing syndrome. Also called: Neoplastic Syndromes, Hereditary; Tumor predisposition; Hereditary Cancer Syndrome; Hereditary neoplastic syndrome. Identifiers: Orphanet 140162, MedGen C0027672, MeSH D009386, MONDO:0015356.

Submission:

Ambry Genetics
Classification: Uncertain significance for Hereditary cancer-predisposing syndrome. Last evaluated: 2025-12-11. Review status: criteria provided, single submitter. Criteria: Ambry Variant Classification Scheme 2023. Collection method: clinical testing. Allele origin: germline.
Comment: The p.D52E variant (also known as c.156C>A), located in coding exon 2 of the KIT gene, results from a C to A substitution at nucleotide position 156. The aspartic acid at codon 52 is replaced by glutamic acid, an amino acid with highly similar properties. This amino acid position is conserved. In addition, this alteration is predicted to be tolerated by in silico analysis. Based on the available evidence, the clinical significance of this variant remains unclear.

NM_000222.3(KIT):c.156C>A (p.Asp52Glu)

Gene: KIT (KIT proto-oncogene, receptor tyrosine kinase; plus strand). Cytogenetic location: 4q12.
Variant type: single nucleotide variant.
Coding change: c.156C>A on transcript NM_000222.3 (MANE Select); coding-DNA position 156, C replaced by A.
Protein change: p.Asp52Glu; replaces aspartic acid 52 with glutamic acid.
Molecular consequence: missense variant.
Genome position (GRCh38, 1-based): chr4:54,695,600, C>A. VCF-style: chr4-54695600-C-A. GRCh37 (hg19) VCF-style: chr4-55561766-C-A.
Other names: c.156C>A, p.Asp52Glu (NM_001093772.2, NM_001385284.1, NM_001385285.1 and 4 more transcripts); short protein forms D52E.
Identifiers: ClinVar variation 4645512 (VCV004645512.1).
Genomic context (GRCh38, chr4:54,695,600, plus strand): 5'-GGAACCGTCTCCACCATCCATCCATCCAGGAAAATCAGACTTAATAGTCCGCGTGGGCGA[C>A]GAGATTAGGCTGTTATGCACTGATCCGGGCTTTGTCAAATGGACTTTTGAGATCCTGGAT-3'
Protein context (NP_000213.1, residues 42-62): GKSDLIVRVG[Asp52Glu]EIRLLCTDPG